The following is an entry in ClinVar:

ClinVar aggregate classification (germline): Uncertain significance (1 of 4 stars; one submission).

Allele frequency attached by ClinVar (database versions not stated): gnomAD 0.00002; gnomAD exomes 0.00002; TOPMed 0.00002; ExAC 0.00003.
gnomAD v4.1: 30 of 1,613,794 alleles (0.0019%); highest among the groups gnomAD compares: Non-Finnish European, 0.0024%; no homozygotes.

Submission:

Labcorp Genetics (formerly Invitae), Labcorp
Classification: Uncertain significance. Last evaluated: 2023-10-25. Review status: criteria provided, single submitter. Criteria: Invitae Variant Classification Sherloc (09022015). Collection method: clinical testing. Allele origin: germline.
Comment: This sequence change replaces glutamine, which is neutral and polar, with arginine, which is basic and polar, at codon 1492 of the ZDBF2 protein (p.Gln1492Arg). This variant is present in population databases (rs751599508, gnomAD 0.007%). This variant has not been reported in the literature in individuals affected with ZDBF2-related conditions. An algorithm developed to predict the effect of missense changes on protein structure and function (PolyPhen-2) suggests that this variant is likely to be tolerated. In summary, the available evidence is currently insufficient to determine the role of this variant in disease. Therefore, it has been classified as a Variant of Uncertain Significance.

NM_020923.3(ZDBF2):c.4475A>G (p.Gln1492Arg)

Gene: ZDBF2 (zinc finger DBF-type containing 2; plus strand). Cytogenetic location: 2q33.3.
Variant type: single nucleotide variant.
Coding change: c.4475A>G on transcript NM_020923.3 (MANE Select); coding-DNA position 4475, A replaced by G.
Protein change: p.Gln1492Arg; replaces glutamine 1492 with arginine.
Molecular consequence: missense variant.
Genome position (GRCh38, 1-based): chr2:206,309,003, A>G. VCF-style: chr2-206309003-A-G. GRCh37 (hg19) VCF-style: chr2-207173727-A-G.
Other names: c.4469A>G, p.Gln1490Arg (NM_001285549.2); c.4475A>G, p.Gln1492Arg (NM_001369654.1); short protein forms Q1492R, Q1490R.
Identifiers: ClinVar variation 2956640 (VCV002956640.3), dbSNP rs751599508, ClinGen allele CA2072295.
Genomic context (GRCh38, chr2:206,309,003, plus strand): 5'-CTTACAAAGAGGCAGACCTTCAGAAGGAAGAGCATGTTGTCATGGAAGAAAAGACCGATC[A>G]ACCTAGTGATTCAGAAATGATGTATGATTCTGATGTTCCTTTTCAAATAGTAGTTAACCA-3'
Protein context (NP_065974.1, residues 1482-1502): EHVVMEEKTD[Gln1492Arg]PSDSEMMYDS